The following is an entry in ClinVar:

ClinVar aggregate classification (germline): Likely pathogenic (1 of 4 stars; one submission).

Conditions:
THG1L-related disorder. Also called: THG1L-related condition. Identifiers: MedGen CN382228, MONDO:1060243.

gnomAD v4.1: 18 of 1,607,682 alleles (0.0011%); highest among the groups gnomAD compares: Non-Finnish European, 0.0012%; no homozygotes.

Submission:

Rady Children's Institute for Genomic Medicine, Rady Children's Hospital San Diego
Classification: Likely pathogenic for THG1L-related disorder. Last evaluated: 2024-01-22. Review status: criteria provided, single submitter. Criteria: ACMG Guidelines, 2015. Collection method: clinical testing. Allele origin: germline. Affected: yes.
Comment: The c.153C>G (p.Cys51Trp) variant affects a highly conserved amino acid and is predicted by multiple in silico tools to have a deleterious effect on protein function. This variant has been previously reported as a compound heterozygous change in patients with THG1L-related disorder (PMID: 32523032, 33682303). The c.153C>G (p.Cys51Trp) variant is present in the heterozygous state in the gnomAD v4 population database at a frequency of 0.001% (18/1607682), and is absent in the homozygous state, thus is presumed to be rare. Based on the available evidence, c.153C>G (p.Cys51Trp) is classified as Likely Pathogenic.

NM_017872.5(THG1L):c.153C>G (p.Cys51Trp)

Genes: THG1L (tRNA-histidine guanylyltransferase 1 like; plus strand), LOC129995144 (ATAC-STARR-seq lymphoblastoid active region 23531; plus strand). Cytogenetic location: 5q33.3.
Variant type: single nucleotide variant.
Coding change: c.153C>G on transcript NM_017872.5 (MANE Select); coding-DNA position 153, C replaced by G.
Protein change: p.Cys51Trp; replaces cysteine 51 with tryptophan.
Molecular consequence: missense variant. On other transcripts: 5 prime UTR variant (2).
Genome position (GRCh38, 1-based): chr5:157,731,593, C>G. VCF-style: chr5-157731593-C-G. GRCh37 (hg19) VCF-style: chr5-157158601-C-G.
Other names: c.-149C>G (NM_001317824.2); c.-219C>G (NM_001317825.2); short protein forms C51W.
Identifiers: ClinVar variation 3773868 (VCV003773868.1).